The following is an entry in ClinVar:

ClinVar aggregate classification (germline): Uncertain significance. Review status: criteria provided, multiple submitters, no conflicts (2 of 4 stars). 2 submissions from 2 submitters: Uncertain significance (2). Last evaluated 2025-06-04.

Submissions (2):

Labcorp Genetics (formerly Invitae), Labcorp
Classification: Uncertain significance. Last evaluated: 2025-06-04. Review status: criteria provided, single submitter. Criteria: Invitae Variant Classification Sherloc (09022015). Collection method: clinical testing. Allele origin: germline.
Comment: This sequence change falls in intron 44 of the VPS13A gene. It does not directly change the encoded amino acid sequence of the VPS13A protein. This variant is present in population databases (rs765053636, gnomAD 0.003%). This variant has not been reported in the literature in individuals affected with VPS13A-related conditions. ClinVar contains an entry for this variant (Variation ID: 3716920). Algorithms developed to predict the effect of sequence changes on RNA splicing suggest that this variant may disrupt the consensus splice site. In summary, the available evidence is currently insufficient to determine the role of this variant in disease. Therefore, it has been classified as a Variant of Uncertain Significance.

GeneDx
Classification: Uncertain significance. Last evaluated: 2024-12-11. Review status: criteria provided, single submitter. Criteria: GeneDx Variant Classification Process June 2021. Collection method: clinical testing. Allele origin: germline. Affected: yes.
Comment: Not observed at significant frequency in large population cohorts (gnomAD); Has not been previously published as pathogenic or benign to our knowledge; In silico analysis is inconclusive as to whether the variant alters gene splicing. In the absence of RNA/functional studies, the actual effect of this sequence change is unknown.

NM_033305.3(VPS13A):c.5831-3del

Gene: VPS13A (vacuolar protein sorting 13 homolog A; plus strand). Cytogenetic location: 9q21.2.
Variant type: Deletion.
Coding change: c.5831-3del on transcript NM_033305.3 (MANE Select); 3 bases into the intron before coding-DNA position 5831, one base deleted (T; older notation c.5831-3delT).
Molecular consequence: intron variant.
Genome position (GRCh38, 1-based): chr9:77,323,064, T deleted; the last of 3 consecutive T bases (chr9:77,323,062-77,323,064); deleting any one gives the same sequence. VCF-style (leftmost placement, unchanged base first): chr9-77323061-AT-A. GRCh37 (hg19) VCF-style: chr9-79937977-AT-A.
Other names: c.5714-3del (NM_001018037.2); c.5831-3del (NM_015186.4, NM_001018038.3).
Identifiers: ClinVar variation 3716920 (VCV003716920.3).